The following is an entry in ClinVar:

NM_000540.3(RYR1):c.3709T>C (p.Phe1237Leu)

Gene: RYR1 (ryanodine receptor 1; plus strand). Cytogenetic location: 19q13.2.
Variant type: single nucleotide variant.
Coding change: c.3709T>C on transcript NM_000540.3 (MANE Select); coding-DNA position 3709, T replaced by C.
Protein change: p.Phe1237Leu; replaces phenylalanine 1237 with leucine.
Molecular consequence: missense variant.
Genome position (GRCh38, 1-based): chr19:38,469,457, T>C. VCF-style: chr19-38469457-T-C. GRCh37 (hg19) VCF-style: chr19-38960097-T-C.
Other names: c.3709T>C, p.Phe1237Leu (NM_001042723.2); short protein forms F1237L.
Identifiers: ClinVar variation 3072839 (VCV003072839.1), dbSNP rs2514117643, ClinGen allele CA405639706.
Genomic context (GRCh38, chr19:38,469,457, plus strand): 5'-GGCCTCCAGGAAGGCTTCGAGCCATTTGCCATCAACATGCAGCGCCCAGTCACCACCTGG[T>C]TCAGCAAAGGCCTGCCCCAGTTTGAGCCAGTGCCCCTTGAACACCCTCACTATGAGGTAA-3'
Protein context (NP_000531.2, residues 1227-1247): INMQRPVTTW[Phe1237Leu]SKGLPQFEPV

ClinVar aggregate classification (germline): Uncertain significance (1 of 4 stars; one submission).

Conditions:
Malignant hyperthermia, susceptibility to, 1 (MHS1). Also called: Anesthesia related hyperthermia; Malignant hyperpyrexia; Fulminating hyperpyrexia; Pharmacogenic myopathy; RYR1-Related Malignant Hyperthermia Susceptibility; Malignant hyperthermia suceptibility 1. Identifiers: Orphanet 423, MedGen C2930980, MONDO:0007783, OMIM 145600.

Allele frequency attached by ClinVar (database versions not stated): gnomAD exomes below 0.00001.
gnomAD v4.1: 1 of 1,614,142 alleles (0.000062%); highest among the groups gnomAD compares: Non-Finnish European, 0.000085%; no homozygotes.

Submission:

All of Us Research Program, National Institutes of Health
Classification: Uncertain significance for Malignant hyperthermia, susceptibility to, 1. Last evaluated: 2023-08-15. Review status: criteria provided, single submitter. Criteria: ACMG Guidelines, 2015. Collection method: clinical testing. Allele origin: germline. Inheritance: Autosomal dominant inheritance. Observed: 1 variant allele, 1 heterozygote.
Comment: This study involves interpretation of variants in research participants for the purpose of population health screening. Participant phenotype was not available at the time of variant classification. Additional details can be found in publication PMID: 35346344, PMCID: PMC8962531